The following is an entry in ClinVar:

ClinVar aggregate classification (germline): Uncertain significance (1 of 4 stars; one submission).

Conditions:
X-linked myopathy with postural muscle atrophy. Also called: FHL1-Related Emery-Dreifuss Muscular Dystrophy, X-Linked. Identifiers: Orphanet 178461, MedGen C2678055, MONDO:0010401, OMIM 300696.

Submission:

Labcorp Genetics (formerly Invitae), Labcorp
Classification: Uncertain significance for X-linked myopathy with postural muscle atrophy. Last evaluated: 2024-10-24. Review status: criteria provided, single submitter. Criteria: Invitae Variant Classification Sherloc (09022015). Collection method: clinical testing. Allele origin: germline.
Comment: This sequence change replaces glutamine, which is neutral and polar, with lysine, which is basic and polar, at codon 198 of the FHL1 protein (p.Gln198Lys). This variant is not present in population databases (gnomAD no frequency). This variant has not been reported in the literature in individuals affected with FHL1-related conditions. An algorithm developed to predict the effect of missense changes on protein structure and function (PolyPhen-2) suggests that this variant is likely to be tolerated. In summary, the available evidence is currently insufficient to determine the role of this variant in disease. Therefore, it has been classified as a Variant of Uncertain Significance.

NM_001159699.2(FHL1):c.640C>A (p.Gln214Lys)

Gene: FHL1 (four and a half LIM domains 1; plus strand). Cytogenetic location: Xq26.3.
Variant type: single nucleotide variant.
Coding change: c.640C>A on transcript NM_001159699.2 (MANE Select); coding-DNA position 640, C replaced by A.
Protein change: p.Gln214Lys; replaces glutamine 214 with lysine.
Molecular consequence: missense variant. On other transcripts: non-coding transcript variant (1), intron variant (2).
Genome position (GRCh38, 1-based): chrX:136,208,545, C>A. VCF-style: chrX-136208545-C-A. GRCh37 (hg19) VCF-style: chrX-135290704-C-A.
Other names: c.592C>A, p.Gln198Lys (NM_001159700.2, NM_001159702.3, NM_001159704.1 and 8 more transcripts); c.679C>A, p.Gln227Lys (NM_001159701.2); c.501+584C>A (NM_001159703.2); c.549+584C>A (NM_001330659.2); short protein forms Q198K, Q227K, Q214K.
Identifiers: ClinVar variation 3723738 (VCV003723738.2).